The following is an entry in ClinVar:

NM_017431.4(PRKAG3):c.261C>T (p.Thr87=)

Gene: PRKAG3 (protein kinase AMP-activated non-catalytic subunit gamma 3; minus strand). Cytogenetic location: 2q35.
Variant type: single nucleotide variant.
Coding change: c.261C>T on transcript NM_017431.4 (MANE Select); coding-DNA position 261, C replaced by T.
Protein change: p.Thr87=; no amino-acid change (threonine 87 retained).
Molecular consequence: synonymous variant.
Genome position (GRCh38, 1-based): chr2:218,830,350, G>A on the plus strand (C>T on the coding strand, the complement: PRKAG3 is on the minus strand). VCF-style: chr2-218830350-G-A. GRCh37 (hg19) VCF-style: chr2-219695073-G-A.
Identifiers: ClinVar variation 3042105 (VCV003042105.3), dbSNP rs150179249, ClinGen allele CA2113447.

ClinVar aggregate classification (germline): Likely benign. Review status: criteria provided, single submitter (1 of 4 stars). 2 submissions from 2 submitters: Likely benign (1). 1 of the submissions does not count toward it. Last evaluated 2024-10-25.

Conditions:
PRKAG3-related disorder. Also called: PRKAG3-related condition.

Allele frequency attached by ClinVar (database versions not stated): 1000 Genomes Project 30x 0.00062; 1000 Genomes Project 0.00080; TOPMed 0.00107; gnomAD 0.00115; ESP Exome Variant Server 0.00131.
gnomAD v4.1: 3,092 of 1,609,122 alleles (0.19%); highest among the groups gnomAD compares: Non-Finnish European, 0.24%; 5 homozygotes.

Submissions (2):

Blueprint Genetics
Classification: Likely benign. Last evaluated: 2024-10-25. Review status: criteria provided, single submitter. Criteria: ACMG Guidelines, 2015. Collection method: clinical testing. Allele origin: germline.

PreventionGenetics, part of Exact Sciences
Classification: Likely benign for PRKAG3-related condition. Last evaluated: 2019-11-25. Review status: no assertion criteria provided. Collection method: clinical testing. Allele origin: germline. Not counted in ClinVar's aggregate classification.
Comment: This variant is classified as likely benign based on ACMG/AMP sequence variant interpretation guidelines (Richards et al. 2015 PMID: 25741868, with internal and published modifications).